The following is an entry in ClinVar:

NM_000458.4(HNF1B):c.1207-247_1207-246insGG

Gene: HNF1B (HNF1 homeobox B; minus strand). Cytogenetic location: 17q12.
Variant type: Insertion.
Coding change: c.1207-247_1207-246insGG on transcript NM_000458.4 (MANE Select); 247 bases into the intron before coding-DNA position 1207 through 246 bases into the intron before coding-DNA position 1207, GG inserted.
Molecular consequence: intron variant.
Genome position: GRCh38 VCF-style: chr17-37705295-T-TCC. GRCh37 (hg19) VCF-style: chr17-36065302-T-TCC.
Other names: c.1129-247_1129-246insGG (NM_001304286.2, NM_001165923.4).
Identifiers: ClinVar variation 676904 (VCV000676904.2), dbSNP rs10701156, ClinGen allele CA290297255.
Genomic context (GRCh38, chr17:37,705,295, plus strand): 5'-CAAGACAGGAGGACTGCCTGAGCTCAGGAGTTCAAGACCAGCCTGGGCAACATGGTGAAA[T>TCC]CATCTCTACAAAAAAAGAAAAAAACACAATTATTAAGTGTCTACTGTGGGACAGACACTA-3'

ClinVar aggregate classification (germline): Benign. Review status: criteria provided, multiple submitters, no conflicts (2 of 4 stars). 2 submissions from 2 submitters: Benign (2). Last evaluated 2018-06-14.

Conditions:
Maturity-onset diabetes of the young (MODY). Also called: Maturity onset diabetes mellitus in young. Identifiers: Orphanet 552, MedGen C0342276, MONDO:0018911, HP:0004904.

Submissions (2):

GeneDx
Classification: Benign. Last evaluated: 2018-06-14. Review status: criteria provided, single submitter. Criteria: GeneDx Variant Classification (06012015). Collection method: clinical testing. Allele origin: germline. Affected: yes.
Comment: This variant is considered likely benign or benign based on one or more of the following criteria: it is a conservative change, it occurs at a poorly conserved position in the protein, it is predicted to be benign by multiple in silico algorithms, and/or has population frequency not consistent with disease.

Clinical Genomics, Uppaluri K&H Personalized Medicine Clinic
Classification: Benign for Maturity-onset diabetes of the young. Review status: criteria provided, single submitter. Criteria: K & H Uppaluri Personalized Medicine Clinic Variant Classification & Assertion Criteria_Updated V.1. Collection method: research. Allele origin: unknown. Inheritance: Autosomal dominant inheritance.
Comment: HNF1B gene mutations are associated with early onset diabetes and pancreatic atrophy. It is also associated with multiple renal manifestations including renal cysts, Tubulointerstitial disease, glomerulocystic disease, renal hypoplasia, hypomagnesemia. However no sufficient evidence is found to ascertain the role of this particular variant rs10701156, yet.

Literature cited by the submitters: PubMed 24897035 (cited by Clinical Genomics, Uppaluri K&H Personalized Medicine Clinic); PubMed 25536396 (cited by Clinical Genomics, Uppaluri K&H Personalized Medicine Clinic); PubMed 27615128 (cited by Clinical Genomics, Uppaluri K&H Personalized Medicine Clinic); PubMed 28215227 (cited by Clinical Genomics, Uppaluri K&H Personalized Medicine Clinic); PubMed 33434175 (cited by Clinical Genomics, Uppaluri K&H Personalized Medicine Clinic); PubMed 25741167 (cited by Clinical Genomics, Uppaluri K&H Personalized Medicine Clinic); PubMed 26340261 (cited by Clinical Genomics, Uppaluri K&H Personalized Medicine Clinic); PubMed 19639018 (cited by Clinical Genomics, Uppaluri K&H Personalized Medicine Clinic).